The following is an entry in ClinVar:

ClinVar aggregate classification (germline): Uncertain significance (1 of 4 stars; one submission).

Submission:

CeGaT Center for Human Genetics Tuebingen
Classification: Uncertain significance. Last evaluated: 2023-08-01. Review status: criteria provided, single submitter. Criteria: CeGaT Center For Human Genetics Tuebingen Variant Classification Criteria Version 2. Collection method: clinical testing. Allele origin: germline. Affected: yes. Observed: 1 variant allele.
Comment: USP34: PM2

NM_014709.4(USP34):c.5525C>G (p.Ala1842Gly)

Gene: USP34 (ubiquitin specific peptidase 34; minus strand). Cytogenetic location: 2p15.
Variant type: single nucleotide variant.
Coding change: c.5525C>G on transcript NM_014709.4 (MANE Select); coding-DNA position 5525, C replaced by G.
Protein change: p.Ala1842Gly; replaces alanine 1842 with glycine.
Molecular consequence: missense variant.
Genome position (GRCh38, 1-based): chr2:61,266,076, G>C on the plus strand (C>G on the coding strand, the complement: USP34 is on the minus strand). VCF-style: chr2-61266076-G-C. GRCh37 (hg19) VCF-style: chr2-61493211-G-C.
Other names: short protein forms A1842G.
Identifiers: ClinVar variation 2650975 (VCV002650975.24), dbSNP rs2466170113, ClinGen allele CA346971424.